The following is an entry in ClinVar:

NM_000093.5(COL5A1):c.5371-5C>T

Genes: COL5A1 (collagen type V alpha 1 chain; plus strand), LOC101448202 (uncharacterized LOC101448202; minus strand). Cytogenetic location: 9q34.3.
Variant type: single nucleotide variant.
Coding change: c.5371-5C>T on transcript NM_000093.5 (MANE Select); 5 bases into the intron before coding-DNA position 5371, C replaced by T.
Molecular consequence: intron variant.
Genome position (GRCh38, 1-based): chr9:134,842,152, C>T. VCF-style: chr9-134842152-C-T. GRCh37 (hg19) VCF-style: chr9-137733998-C-T.
Other names: c.5371-5C>T (NM_001278074.1).
Identifiers: ClinVar variation 3052475 (VCV003052475.2), dbSNP rs2490952788, ClinGen allele CA2695211575.
Genomic context (GRCh38, chr9:134,842,152, plus strand): 5'-GATTGGTAAACCCCAAGACCCCCAACTGTTCTTAACCACCGGCCATCTGTCTCCCTCTTC[C>T]CCAGACCAAGAAAGGCTACCAGAAGACGGTTCTGGAGATCGACACCCCCAAAGTGGAGCA-3'

ClinVar aggregate classification (germline): Uncertain significance (0 of 4 stars; one submission).

Conditions:
COL5A1-related disorder. Also called: COL5A1-related condition.

Submission:

PreventionGenetics, part of Exact Sciences
Classification: Uncertain significance for COL5A1-related condition. Last evaluated: 2023-11-29. Review status: no assertion criteria provided. Collection method: clinical testing. Allele origin: germline.
Comment: The COL5A1 c.5371-5C>T variant is predicted to interfere with splicing. This variant was not reported individuals with Ehlers-Danlos syndrome, but was reported an individual with autism (Supplementary Data 1. search 9:137733998, Zhou et al 2022. PubMed ID: 35982159). This variant has not been reported in a large population database, indicating this variant is rare. This variant is not predicted to interfere with splicing. This variant could be benign. At this time, the clinical significance of this variant is uncertain due to the absence of conclusive functional and genetic evidence.